The following is an entry in ClinVar:

NM_004364.5(CEBPA):c.925G>C (p.Glu309Gln)

Gene: CEBPA (CCAAT enhancer binding protein alpha; minus strand). Cytogenetic location: 19q13.11.
Variant type: single nucleotide variant.
Coding change: c.925G>C on transcript NM_004364.5 (MANE Select); coding-DNA position 925, G replaced by C.
Protein change: p.Glu309Gln; replaces glutamic acid 309 with glutamine.
Molecular consequence: missense variant.
Genome position (GRCh38, 1-based): chr19:33,301,490, C>G on the plus strand (G>C on the coding strand, the complement: CEBPA is on the minus strand). VCF-style: chr19-33301490-C-G. GRCh37 (hg19) VCF-style: chr19-33792396-C-G.
Other names: c.568G>C, p.Glu190Gln (NM_001285829.2); c.1030G>C, p.Glu344Gln (NM_001287424.2); c.883G>C, p.Glu295Gln (NM_001287435.2); short protein forms E295Q, E190Q, E309Q, E344Q.
Identifiers: ClinVar variation 2835997 (VCV002835997.3), dbSNP rs2513328442, ClinGen allele CA405273911.

ClinVar aggregate classification (germline): Uncertain significance (1 of 4 stars; one submission).

Conditions:
Acute myeloid leukemia (AML). Also called: Acute myeloid leukemia, adult; AML adult; Acute non-lymphocytic leukemia; Acute granulocytic leukemia; Leukemia, acute myeloid, somatic; Leukemia, acute myelogenous, somatic. Identifiers: Orphanet 519, MedGen C0023467, MeSH D015470, MONDO:0018874, OMIM 601626, HP:0004808. Disease mechanism: Constitutively activated FLT3.

Submission:

Labcorp Genetics (formerly Invitae), Labcorp
Classification: Uncertain significance for Acute myeloid leukemia. Last evaluated: 2023-02-10. Review status: criteria provided, single submitter. Criteria: Invitae Variant Classification Sherloc (09022015). Collection method: clinical testing. Allele origin: germline.
Comment: This sequence change replaces glutamic acid, which is acidic and polar, with glutamine, which is neutral and polar, at codon 309 of the CEBPA protein (p.Glu309Gln). This variant is not present in population databases (gnomAD no frequency). This variant has not been reported in the literature in individuals affected with CEBPA-related conditions. Advanced modeling of protein sequence and biophysical properties (such as structural, functional, and spatial information, amino acid conservation, physicochemical variation, residue mobility, and thermodynamic stability) performed at Invitae indicates that this missense variant is expected to disrupt CEBPA protein function. In summary, the available evidence is currently insufficient to determine the role of this variant in disease. Therefore, it has been classified as a Variant of Uncertain Significance.